The following is an entry in ClinVar:

ClinVar aggregate classification (germline): Uncertain significance. Review status: criteria provided, multiple submitters, no conflicts (2 of 4 stars). 2 submissions from 2 submitters: Uncertain significance (2). Last evaluated 2025-06-09.

Conditions:
Inborn genetic diseases. Identifiers: MedGen C0950123, MeSH D030342.

Allele frequency attached by ClinVar (database versions not stated): ExAC 0.00003; gnomAD 0.00019 and 0.00021; ESP Exome Variant Server 0.00016; TOPMed 0.00021; gnomAD exomes 0.00001; 1000 Genomes Project 30x 0.00016; 1000 Genomes Project 0.00020.
gnomAD v4.1: 42 of 1,613,850 alleles (0.0026%); highest among the groups gnomAD compares: African/African-American, 0.052%; no homozygotes.

Submissions (2):

Ambry Genetics
Classification: Uncertain significance for Inborn genetic diseases. Last evaluated: 2025-06-09. Review status: criteria provided, single submitter. Criteria: Ambry Variant Classification Scheme 2023. Collection method: clinical testing. Allele origin: germline.

Labcorp Genetics (formerly Invitae), Labcorp
Classification: Uncertain significance. Last evaluated: 2024-10-16. Review status: criteria provided, single submitter. Criteria: Invitae Variant Classification Sherloc (09022015). Collection method: clinical testing. Allele origin: germline.
Comment: This sequence change replaces serine, which is neutral and polar, with arginine, which is basic and polar, at codon 769 of the AP3B2 protein (p.Ser769Arg). This variant is present in population databases (rs368320657, gnomAD 0.03%). This variant has not been reported in the literature in individuals affected with AP3B2-related conditions. ClinVar contains an entry for this variant (Variation ID: 1381367). An algorithm developed to predict the effect of missense changes on protein structure and function (PolyPhen-2) suggests that this variant¬†is likely to be tolerated. In summary, the available evidence is currently insufficient to determine the role of this variant in disease. Therefore, it has been classified as a Variant of Uncertain Significance.

NM_001278512.2(AP3B2):c.2364C>A (p.Ser788Arg)

Genes: AP3B2 (adaptor related protein complex 3 subunit beta 2; minus strand), CPEB1-AS1 (CPEB1 antisense RNA 1; plus strand). Cytogenetic location: 15q25.2.
Variant type: single nucleotide variant.
Coding change: c.2364C>A on transcript NM_001278512.2 (MANE Select); coding-DNA position 2364, C replaced by A.
Protein change: p.Ser788Arg; replaces serine 788 with arginine.
Molecular consequence: missense variant.
Genome position (GRCh38, 1-based): chr15:82,663,873, G>T on the plus strand (C>A on the coding strand, the complement: AP3B2 is on the minus strand). VCF-style: chr15-82663873-G-T. GRCh37 (hg19) VCF-style: chr15-83332625-G-T.
Other names: c.2211C>A, p.Ser737Arg (NM_001278511.2); c.2307C>A, p.Ser769Arg (NM_004644.5); c.2307C>A (NM_004644.3); short protein forms S788R, S737R, S769R.
Identifiers: ClinVar variation 1381367 (VCV001381367.8), dbSNP rs368320657, ClinGen allele CA7699941.